The following is an entry in ClinVar:

NM_001372106.1(DNAH10):c.11394A>G (p.Leu3798=)

Genes: DNAH10 (dynein axonemal heavy chain 10; plus strand), LOC126861667 (CDK7 strongly-dependent group 2 enhancer GRCh37_chr12:124402328-124403527; plus strand). Cytogenetic location: 12q24.31.
Variant type: single nucleotide variant.
Coding change: c.11394A>G on transcript NM_001372106.1 (MANE Select); coding-DNA position 11394, A replaced by G.
Protein change: p.Leu3798=; no amino-acid change (leucine 3798 retained).
Molecular consequence: synonymous variant.
Genome position (GRCh38, 1-based): chr12:123,918,837, A>G. VCF-style: chr12-123918837-A-G. GRCh37 (hg19) VCF-style: chr12-124403384-A-G.
Other names: c.11040A>G, p.Leu3680= (NM_001083900.1, NM_207437.3).
Identifiers: ClinVar variation 2643538 (VCV002643538.24), dbSNP rs771853529, ClinGen allele CA6865633.

ClinVar aggregate classification (germline): Likely benign (1 of 4 stars; one submission).

Allele frequency attached by ClinVar (database versions not stated): TOPMed below 0.00001; ExAC 0.00001; gnomAD 0.00001; gnomAD exomes 0.00001.
gnomAD v4.1: 16 of 1,613,810 alleles (0.00099%); highest among the groups gnomAD compares: Non-Finnish European, 0.0013%; no homozygotes.

Submission:

CeGaT Center for Human Genetics Tuebingen
Classification: Likely benign. Last evaluated: 2022-07-01. Review status: criteria provided, single submitter. Criteria: CeGaT Center For Human Genetics Tuebingen Variant Classification Criteria Version 2. Collection method: clinical testing. Allele origin: germline. Affected: yes. Observed: 1 variant allele.
Comment: DNAH10: BP4, BP7